The following is an entry in ClinVar:

NM_001365951.3(KIF1B):c.2275T>C (p.Phe759Leu)

Gene: KIF1B (kinesin family member 1B; plus strand). Cytogenetic location: 1p36.22.
Variant type: single nucleotide variant.
Coding change: c.2275T>C on transcript NM_001365951.3 (MANE Select); coding-DNA position 2275, T replaced by C.
Protein change: p.Phe759Leu; replaces phenylalanine 759 with leucine.
Molecular consequence: missense variant.
Genome position (GRCh38, 1-based): chr1:10,321,774, T>C. VCF-style: chr1-10321774-T-C. GRCh37 (hg19) VCF-style: chr1-10381832-T-C.
Other names: c.2275T>C, p.Phe759Leu (NM_001365952.1); c.2137T>C, p.Phe713Leu (NM_015074.3); short protein forms F713L, F759L.
Identifiers: ClinVar variation 2628458 (VCV002628458.1), dbSNP rs2521607144, ClinGen allele CA338332837.

ClinVar aggregate classification (germline): Uncertain significance (1 of 4 stars; one submission).

Conditions:
KIF1B-related disorder. Also called: KIF1B-related condition.

Submission:

PreventionGenetics, part of Exact Sciences
Classification: Uncertain significance for KIF1B-related condition. Last evaluated: 2022-09-14. Review status: criteria provided, single submitter. Criteria: ACMG Guidelines, 2015. Collection method: clinical testing. Allele origin: germline.
Comment: The KIF1B c.2137T>C variant is predicted to result in the amino acid substitution p.Phe713Leu. To our knowledge, this variant has not been reported in the literature or in a large population database, indicating this variant is rare. At this time, the clinical significance of this variant is uncertain due to the absence of conclusive functional and genetic evidence.